The following is an entry in ClinVar:

NM_032492.4(JAGN1):c.127G>A (p.Val43Ile)

Gene: JAGN1 (jagunal vesicle mediated transporter 1; plus strand). Cytogenetic location: 3p25.3.
Variant type: single nucleotide variant.
Coding change: c.127G>A on transcript NM_032492.4 (MANE Select); coding-DNA position 127, G replaced by A.
Protein change: p.Val43Ile; replaces valine 43 with isoleucine.
Molecular consequence: missense variant. On other transcripts: 5 prime UTR variant (1).
Genome position (GRCh38, 1-based): chr3:9,892,952, G>A. VCF-style: chr3-9892952-G-A. GRCh37 (hg19) VCF-style: chr3-9934636-G-A.
Other names: c.-36G>A (NM_001363890.1); c.127G>A (NM_032492.3); short protein forms V43I.
Identifiers: ClinVar variation 1020952 (VCV001020952.6), dbSNP rs778975542, ClinGen allele CA2245832.

ClinVar aggregate classification (germline): Uncertain significance. Review status: criteria provided, multiple submitters, no conflicts (2 of 4 stars). 2 submissions from 2 submitters: Uncertain significance (2). Last evaluated 2025-10-02.

Conditions:
Autosomal recessive severe congenital neutropenia due to JAGN1 deficiency. Also called: Severe congenital neutropenia 6, autosomal recessive. Identifiers: Orphanet 423384, MedGen C4014954, MONDO:0014456, OMIM 616022.
Inborn genetic diseases. Identifiers: MedGen C0950123, MeSH D030342.

Allele frequency attached by ClinVar (database versions not stated): gnomAD exomes 0.00001; TOPMed 0.00002; gnomAD 0.00001 and 0.00002; ExAC 0.00002.

Submissions (2):

Ambry Genetics
Classification: Uncertain significance for Inborn genetic diseases. Last evaluated: 2025-10-02. Review status: criteria provided, single submitter. Criteria: Ambry Variant Classification Scheme 2023. Collection method: clinical testing. Allele origin: germline.

Labcorp Genetics (formerly Invitae), Labcorp
Classification: Uncertain significance for Autosomal recessive severe congenital neutropenia due to JAGN1 deficiency. Last evaluated: 2022-12-06. Review status: criteria provided, single submitter. Criteria: Invitae Variant Classification Sherloc (09022015). Collection method: clinical testing. Allele origin: germline.
Comment: In summary, the available evidence is currently insufficient to determine the role of this variant in disease. Therefore, it has been classified as a Variant of Uncertain Significance. Algorithms developed to predict the effect of missense changes on protein structure and function output the following: SIFT: "Tolerated"; PolyPhen-2: "Benign"; Align-GVGD: "Class C0". The isoleucine amino acid residue is found in multiple mammalian species, which suggests that this missense change does not adversely affect protein function. ClinVar contains an entry for this variant (Variation ID: 1020952). This variant has not been reported in the literature in individuals affected with JAGN1-related conditions. This variant is present in population databases (rs778975542, gnomAD 0.008%). This sequence change replaces valine, which is neutral and non-polar, with isoleucine, which is neutral and non-polar, at codon 43 of the JAGN1 protein (p.Val43Ile).